The following is an entry in ClinVar:

NM_004364.5(CEBPA):c.561G>C (p.Pro187=)

Gene: CEBPA (CCAAT enhancer binding protein alpha; minus strand). Cytogenetic location: 19q13.11.
Variant type: single nucleotide variant.
Coding change: c.561G>C on transcript NM_004364.5 (MANE Select); coding-DNA position 561, G replaced by C.
Protein change: p.Pro187=; no amino-acid change (proline 187 retained).
Molecular consequence: synonymous variant.
Genome position (GRCh38, 1-based): chr19:33,301,854, C>G on the plus strand (G>C on the coding strand, the complement: CEBPA is on the minus strand). VCF-style: chr19-33301854-C-G. GRCh37 (hg19) VCF-style: chr19-33792760-C-G.
Other names: c.204G>C, p.Pro68= (NM_001285829.2); c.666G>C, p.Pro222= (NM_001287424.2); c.519G>C, p.Pro173= (NM_001287435.2); c.561G>C (NM_004364.3).
Identifiers: ClinVar variation 415193 (VCV000415193.21), dbSNP rs538441046, ClinGen allele CA9363709.

ClinVar aggregate classification (germline): Benign/Likely benign. Review status: criteria provided, multiple submitters, no conflicts (2 of 4 stars). 7 submissions from 7 submitters: Benign (2); Likely benign (4). 1 of the submissions does not count toward it. Last evaluated 2026-01-09.

Conditions:
CEBPA-related disorder. Also called: CEBPA-related condition.
Inborn genetic diseases. Identifiers: MedGen C0950123, MeSH D030342.
Hereditary cancer-predisposing syndrome. Also called: Neoplastic Syndromes, Hereditary; Hereditary neoplastic syndrome; Hereditary Cancer Syndrome; Tumor predisposition. Identifiers: Orphanet 140162, MedGen C0027672, MeSH D009386, MONDO:0015356.
Acute myeloid leukemia (AML). Also called: Leukemia, acute myeloid, somatic; Leukemia, acute myelogenous, somatic; Acute myeloid leukemia, adult; AML adult; Acute non-lymphocytic leukemia; Acute granulocytic leukemia. Identifiers: Orphanet 519, MedGen C0023467, MeSH D015470, MONDO:0018874, OMIM 601626, HP:0004808. Disease mechanism: Constitutively activated FLT3.

Allele frequency attached by ClinVar (database versions not stated): gnomAD 0.00022 and 0.00037; TOPMed 0.00026; ExAC 0.00304; 1000 Genomes Project 0.00519.
gnomAD v4.1: 443 of 1,277,910 alleles (0.035%); highest among the groups gnomAD compares: South Asian, 0.33%; 1 homozygote.

Submissions (7):

Labcorp Genetics (formerly Invitae), Labcorp
Classification: Benign for Acute myeloid leukemia. Last evaluated: 2026-01-09. Review status: criteria provided, single submitter. Criteria: Invitae Variant Classification Sherloc (09022015). Collection method: clinical testing. Allele origin: germline.

Blueprint Genetics
Classification: Likely benign. Last evaluated: 2024-11-28. Review status: criteria provided, single submitter. Criteria: ACMG Guidelines, 2015. Collection method: clinical testing. Allele origin: germline.

Ambry Genetics
Classification: Likely benign for Inborn genetic diseases. Last evaluated: 2024-08-21. Review status: criteria provided, single submitter. Criteria: Ambry Variant Classification Scheme 2023. Collection method: clinical testing. Allele origin: germline.

Genetic Services Laboratory, University of Chicago
Classification: Likely benign. Last evaluated: 2021-07-21. Review status: criteria provided, single submitter. Criteria: ACMG Guidelines, 2015. Collection method: clinical testing. Allele origin: germline. Affected: no.

Sema4
Classification: Likely benign for Hereditary cancer-predisposing syndrome. Last evaluated: 2020-11-10. Review status: criteria provided, single submitter. Criteria: Sema4 Curation Guidelines. Collection method: curation. Allele origin: germline.

GeneDx
Classification: Benign. Last evaluated: 2020-08-14. Review status: criteria provided, single submitter. Criteria: GeneDx Variant Classification Process June 2021. Collection method: clinical testing. Allele origin: germline. Affected: yes.

PreventionGenetics, part of Exact Sciences
Classification: Likely benign for CEBPA-related condition. Last evaluated: 2019-03-07. Review status: no assertion criteria provided. Collection method: clinical testing. Allele origin: germline. Not counted in ClinVar's aggregate classification.
Comment: This variant is classified as likely benign based on ACMG/AMP sequence variant interpretation guidelines (Richards et al. 2015 PMID: 25741868, with internal and published modifications).